The following is an entry in ClinVar:

NC_000005.9:g.(?_112043102)_(112112047_?)del

Gene: APC (APC regulator of Wnt signaling pathway; plus strand). Cytogenetic location: 5q22.2.
Variant type: Deletion.
Identifiers: ClinVar variation 3246380 (VCV003246380.1).

ClinVar aggregate classification (germline): Pathogenic (1 of 4 stars; one submission).

Conditions:
Familial adenomatous polyposis 1 (FAP1). Also called: POLYPOSIS, ADENOMATOUS INTESTINAL; FAMILIAL ADENOMATOUS POLYPOSIS 1, ATTENUATED. Identifiers: MedGen C2713442, MONDO:0021056, OMIM 175100. Disease mechanism: loss of function.

Submission:

Labcorp Genetics (formerly Invitae), Labcorp
Classification: Pathogenic for Familial adenomatous polyposis 1. Last evaluated: 2021-12-26. Review status: criteria provided, single submitter. Criteria: Invitae Variant Classification Sherloc (09022015). Collection method: clinical testing. Allele origin: unknown.
Comment: For these reasons, this variant has been classified as Pathogenic. A similar copy number variant has been observed in individual(s) with familial adenomatous polyposis (PMID: 15689459, 17489848, 20223039). This variant is a gross deletion of the genomic region encompassing exon(s) 1-5 of the APC gene, which includes the initiator codon. This deletion extends beyond the assayed region for this gene and therefore may encompass additional genes. It is expected to result in an absent or disrupted protein product. Loss-of-function variants in APC are known to be pathogenic (PMID: 17963004, 20685668).

Literature cited by the submitters: PubMed 15689459; PubMed 17489848; PubMed 20223039; PubMed 17963004; PubMed 20685668.